The following is an entry in ClinVar:

ClinVar aggregate classification (germline): Benign. Review status: criteria provided, multiple submitters, no conflicts (2 of 4 stars). 5 submissions from 5 submitters: Benign (5). Last evaluated 2026-02-03.

Conditions:
Developmental and epileptic encephalopathy, 34 (DEE34). Also called: Early infantile epileptic encephalopathy 34; SLC12A5-Related Epilepsy of Infancy with Migrating Focal Seizures. Identifiers: Orphanet 293181, MedGen C4225257, MONDO:0014718, OMIM 616645.

Allele frequency attached by ClinVar (database versions not stated): ESP Exome Variant Server 0.01807; gnomAD 0.02859 and 0.02896; 1000 Genomes Project 30x 0.03186; 1000 Genomes Project 0.03215; TOPMed 0.03489; ExAC 0.03532; gnomAD exomes 0.04136.
gnomAD v4.1: 44,612 of 1,614,082 alleles (2.8%); highest among the groups gnomAD compares: Admixed American, 14%; 1,189 homozygotes.

Submissions (5):

Labcorp Genetics (formerly Invitae), Labcorp
Classification: Benign for Developmental and epileptic encephalopathy, 34. Last evaluated: 2026-02-03. Review status: criteria provided, single submitter. Criteria: Invitae Variant Classification Sherloc (09022015). Collection method: clinical testing. Allele origin: germline.

Unidad de Genómica Garrahan, Hospital de Pediatría Garrahan
Classification: Benign. Last evaluated: 2024-07-15. Review status: criteria provided, single submitter. Criteria: ACMG Guidelines, 2015. Collection method: clinical testing. Allele origin: germline. Affected: no. Observed: 21 variant alleles.
Comment: This variant is classified as Benign based on local population frequency. This variant was detected in 23% of patients studied in a panel designed for Epileptic and Developmental Encephalopathy and Progressive Myoclonus Epilepsy. Number of patients: 21. Only high quality variants are reported.

Mayo Clinic Laboratories, Mayo Clinic
Classification: Benign. Last evaluated: 2021-11-04. Review status: criteria provided, single submitter. Criteria: ACMG Guidelines, 2015. Collection method: clinical testing. Allele origin: germline. Observed: 19 variant alleles.

GeneDx
Classification: Benign. Last evaluated: 2018-11-12. Review status: criteria provided, single submitter. Criteria: GeneDx Variant Classification Process June 2021. Collection method: clinical testing. Allele origin: germline. Affected: yes.

Breakthrough Genomics
Classification: Benign. Review status: criteria provided, single submitter. Criteria: ACMG Guidelines, 2015. Collection method: not provided. Allele origin: germline. Inheritance: Autosomal recessive inheritance. Affected: yes.

NM_020708.5(SLC12A5):c.355C>A (p.Arg119=)

Gene: SLC12A5 (solute carrier family 12 member 5; plus strand). Cytogenetic location: 20q13.12.
Variant type: single nucleotide variant.
Coding change: c.355C>A on transcript NM_020708.5 (MANE Select); coding-DNA position 355, C replaced by A.
Protein change: p.Arg119=; no amino-acid change (arginine 119 retained).
Molecular consequence: synonymous variant.
Genome position (GRCh38, 1-based): chr20:46,035,852, C>A. VCF-style: chr20-46035852-C-A. GRCh37 (hg19) VCF-style: chr20-44664491-C-A.
Other names: p.Arg119=; c.424C>A, p.Arg142= (NM_001134771.2).
Identifiers: ClinVar variation 475656 (VCV000475656.16), dbSNP rs3848724, ClinGen allele CA9887042.